The following is an entry in ClinVar:

NM_020987.5(ANK3):c.11285T>C (p.Met3762Thr)

Gene: ANK3 (ankyrin 3; minus strand). Cytogenetic location: 10q21.2.
Variant type: single nucleotide variant.
Coding change: c.11285T>C on transcript NM_020987.5 (MANE Select); coding-DNA position 11285, T replaced by C.
Protein change: p.Met3762Thr; replaces methionine 3762 with threonine.
Molecular consequence: missense variant. On other transcripts: intron variant (4).
Genome position (GRCh38, 1-based): chr10:60,069,596, A>G on the plus strand (T>C on the coding strand, the complement: ANK3 is on the minus strand). VCF-style: chr10-60069596-A-G. GRCh37 (hg19) VCF-style: chr10-61829354-A-G.
Other names: c.4388-1587T>C (NM_001204403.2); c.4409-1587T>C (NM_001204404.2); c.4406-1587T>C (NM_001320874.2); c.1808-1587T>C (NM_001149.4); short protein forms M3762T.
Identifiers: ClinVar variation 3899762 (VCV003899762.1).

ClinVar aggregate classification (germline): Uncertain significance (1 of 4 stars; one submission).

gnomAD v4.1: 3 of 1,613,798 alleles (0.00019%); highest among the groups gnomAD compares: Admixed American, 0.005%; no homozygotes.

Submission:

GeneDx
Classification: Uncertain significance. Last evaluated: 2024-11-14. Review status: criteria provided, single submitter. Criteria: GeneDx Variant Classification Process June 2021. Collection method: clinical testing. Allele origin: germline. Affected: yes.
Comment: In silico analysis indicates that this missense variant does not alter protein structure/function; Has not been previously published as pathogenic or benign to our knowledge